The following is an entry in ClinVar:

ClinVar aggregate classification (germline): Uncertain significance. Review status: criteria provided, multiple submitters, no conflicts (2 of 4 stars). 2 submissions from 2 submitters: Uncertain significance (2). Last evaluated 2024-07-07.

Conditions:
Inborn genetic diseases. Identifiers: MedGen C0950123, MeSH D030342.

Allele frequency attached by ClinVar (database versions not stated): gnomAD 0.00001; gnomAD exomes 0.00001; ExAC 0.00002.
gnomAD v4.1: 7 of 1,613,886 alleles (0.00043%); highest among the groups gnomAD compares: Non-Finnish European, 0.00059%; no homozygotes.

Submissions (2):

Ambry Genetics
Classification: Uncertain significance for Inborn genetic diseases. Last evaluated: 2024-07-07. Review status: criteria provided, single submitter. Criteria: Ambry Variant Classification Scheme 2023. Collection method: clinical testing. Allele origin: germline.

Labcorp Genetics (formerly Invitae), Labcorp
Classification: Uncertain significance. Last evaluated: 2021-08-12. Review status: criteria provided, single submitter. Criteria: Invitae Variant Classification Sherloc (09022015). Collection method: clinical testing. Allele origin: germline.
Comment: This sequence change replaces glutamic acid with lysine at codon 409 of the ATR protein (p.Glu409Lys). The glutamic acid residue is moderately conserved and there is a small physicochemical difference between glutamic acid and lysine. This variant is present in population databases (rs777982083, ExAC 0.004%). This variant has not been reported in the literature in individuals affected with ATR-related conditions. Algorithms developed to predict the effect of missense changes on protein structure and function (SIFT, PolyPhen-2, Align-GVGD) all suggest that this variant is likely to be tolerated. In summary, the available evidence is currently insufficient to determine the role of this variant in disease. Therefore, it has been classified as a Variant of Uncertain Significance.

NM_001184.4(ATR):c.1225G>A (p.Glu409Lys)

Gene: ATR (ATR serine/threonine kinase; minus strand). Cytogenetic location: 3q23.
Variant type: single nucleotide variant.
Coding change: c.1225G>A on transcript NM_001184.4 (MANE Select); coding-DNA position 1225, G replaced by A.
Protein change: p.Glu409Lys; replaces glutamic acid 409 with lysine.
Molecular consequence: missense variant.
Genome position (GRCh38, 1-based): chr3:142,561,367, C>T on the plus strand (G>A on the coding strand, the complement: ATR is on the minus strand). VCF-style: chr3-142561367-C-T. GRCh37 (hg19) VCF-style: chr3-142280209-C-T.
Other names: c.1225G>A, p.Glu409Lys (NM_001354579.2); c.1225G>A (NM_001184.3); short protein forms E409K.
Identifiers: ClinVar variation 1381555 (VCV001381555.4), dbSNP rs777982083, ClinGen allele CA2650647.